The following is an entry in ClinVar:

NM_138694.4(PKHD1):c.11695C>T (p.Gln3899Ter)

Gene: PKHD1 (PKHD1 ciliary IPT domain containing fibrocystin/polyductin; minus strand). Cytogenetic location: 6p12.3.
Variant type: single nucleotide variant.
Coding change: c.11695C>T on transcript NM_138694.4 (MANE Select); coding-DNA position 11695, C replaced by T.
Protein change: p.Gln3899Ter; replaces glutamine 3899 with a stop codon.
Molecular consequence: nonsense.
Genome position (GRCh38, 1-based): chr6:51,627,087, G>A on the plus strand (C>T on the coding strand, the complement: PKHD1 is on the minus strand). VCF-style: chr6-51627087-G-A. GRCh37 (hg19) VCF-style: chr6-51491885-G-A.
Other names: short protein forms Q3899*.
Identifiers: ClinVar variation 800788 (VCV000800788.7), dbSNP rs1295732689, ClinGen allele CA364418904.

ClinVar aggregate classification (germline): Likely pathogenic. Review status: criteria provided, multiple submitters, no conflicts (2 of 4 stars). 5 submissions from 5 submitters: Likely pathogenic (4). 1 of the submissions does not count toward it. Last evaluated 2025-11-18.

Conditions:
Polycystic kidney disease 4 (PKD4). Also called: POLYCYSTIC KIDNEY DISEASE 4 WITH OR WITHOUT POLYCYSTIC LIVER DISEASE; Autosomal Recessive Polycystic Kidney Disease – PKHD1; POLYCYSTIC KIDNEY AND HEPATIC DISEASE 1; POLYCYSTIC KIDNEY DISEASE, INFANTILE, TYPE I; PKD3. Identifiers: MedGen C4540575, MONDO:0033004, OMIM 263200.
Autosomal recessive polycystic kidney disease (ARPKD). Also called: AR polycystic kidney disease. Identifiers: Orphanet 731, Orphanet 8378, MedGen C0085548, MeSH D017044, MONDO:0009889.
PKHD1-related disorder. Also called: PKHD1-related condition.

Allele frequency attached by ClinVar (database versions not stated): TOPMed below 0.00001; gnomAD 0.00001.
gnomAD v4.1: 5 of 1,610,428 alleles (0.00031%); highest among the groups gnomAD compares: African/African-American, 0.0027%; no homozygotes.

Submissions (5):

Natera, Inc.
Classification: Likely pathogenic for Autosomal recessive polycystic kidney disease. Last evaluated: 2025-11-18. Review status: criteria provided, single submitter. Criteria: Natera Variant Classification Schema (03/2026). Collection method: clinical testing. Allele origin: germline.
Comment: The c.11695C>T variant in PKHD1 is a nonsense variant predicted to introduce a stop codon at amino acid 3899. This variant is expected to result in nonsense mediated decay, truncation, or a dysfunctional protein product. This variant is rare in the general population with a frequency below the threshold expected for the associated phenotype(s). Given the available evidence, this variant is classified as Likely Pathogenic.

Genomic Medicine Center of Excellence, King Faisal Specialist Hospital and Research Centre
Classification: Likely pathogenic for Polycystic kidney disease 4. Last evaluated: 2024-04-04. Review status: criteria provided, single submitter. Criteria: ACMG Guidelines, 2015. Collection method: clinical testing. Allele origin: germline.

Revvity Omics, Revvity
Classification: Likely pathogenic for Polycystic kidney disease 4. Last evaluated: 2022-03-31. Review status: criteria provided, single submitter. Criteria: ACMG Guidelines, 2015. Collection method: clinical testing. Allele origin: germline.

Blueprint Genetics
Classification: Likely pathogenic for PKHD1-related disorders. Last evaluated: 2021-09-24. Review status: criteria provided, single submitter. Criteria: ACMG Guidelines, 2015. Collection method: clinical testing. Allele origin: germline. Affected: yes. Observed: 1 variant allele.

Biochemical Molecular Genetic Laboratory, King Abdulaziz Medical City
Classification: Likely pathogenic for Polycystic kidney disease 4. Last evaluated: 2019-01-29. Review status: no assertion criteria provided. Collection method: clinical testing. Allele origin: germline. Affected: yes. Not counted in ClinVar's aggregate classification.